The following is an entry in ClinVar:

ClinVar aggregate classification (germline): Uncertain significance (1 of 4 stars; one submission).

Submission:

Dasa
Classification: Uncertain significance. Last evaluated: 2025-10-03. Review status: criteria provided, single submitter. Criteria: DASA Assertion Criteria. Collection method: clinical testing. Allele origin: germline.
Comment: NM_032271.3(TRAF7):c.2013A>T (p.*671Tyrext*36) is a nonsense variant in TRAF7 predicted to introduce a premature termination codon. This variant is absent from population databases. The currently available literature and clinical evidence are not sufficient to establish a definitive association between this variant and the reported condition. Therefore, this variant is classified as a variant of uncertain significance.

NM_032271.3(TRAF7):c.2013A>T (p.Ter671Tyr)

Gene: TRAF7 (TNF receptor associated factor 7; plus strand). Cytogenetic location: 16p13.3.
Variant type: single nucleotide variant.
Coding change: c.2013A>T on transcript NM_032271.3 (MANE Select); coding-DNA position 2013, A replaced by T.
Protein change: p.Ter671Tyr.
Molecular consequence: stop lost.
Genome position (GRCh38, 1-based): chr16:2,176,574, A>T. VCF-style: chr16-2176574-A-T. GRCh37 (hg19) VCF-style: chr16-2226575-A-T.
Identifiers: ClinVar variation 4883171 (VCV004883171.2).